The following is an entry in ClinVar:

ClinVar aggregate classification (germline): Uncertain significance (1 of 4 stars; one submission).

Submission:

Labcorp Genetics (formerly Invitae), Labcorp
Classification: Uncertain significance. Last evaluated: 2024-03-02. Review status: criteria provided, single submitter. Criteria: Invitae Variant Classification Sherloc (09022015). Collection method: clinical testing. Allele origin: germline.
Comment: This sequence change affects a donor splice site in intron 5 of the FLI1 gene. It is expected to disrupt RNA splicing. Variants that disrupt the donor or acceptor splice site typically lead to a loss of protein function (PMID: 16199547), however the current clinical and genetic evidence is not sufficient to establish whether loss-of-function variants in FLI1 cause disease. This variant is not present in population databases (gnomAD no frequency). This variant has not been reported in the literature in individuals affected with FLI1-related conditions. Algorithms developed to predict the effect of sequence changes on RNA splicing suggest that this variant may disrupt the consensus splice site. In summary, the available evidence is currently insufficient to determine the role of this variant in disease. Therefore, it has been classified as a Variant of Uncertain Significance.

Literature cited by the submitters: PubMed 16199547.

NM_002017.5(FLI1):c.655+1G>T

Gene: FLI1 (Fli-1 proto-oncogene, ETS transcription factor; plus strand). Cytogenetic location: 11q24.3.
Variant type: single nucleotide variant.
Coding change: c.655+1G>T on transcript NM_002017.5 (MANE Select); the canonical splice donor site of the intron after coding-DNA position 655, G replaced by T.
Molecular consequence: splice donor variant.
Genome position (GRCh38, 1-based): chr11:128,782,024, G>T. VCF-style: chr11-128782024-G-T. GRCh37 (hg19) VCF-style: chr11-128651919-G-T.
Other names: c.76+1G>T (NM_001271012.2); c.556+1G>T (NM_001167681.3); c.457+1G>T (NM_001271010.2).
Identifiers: ClinVar variation 3642120 (VCV003642120.2).